The following is an entry in ClinVar:

NM_004826.4(ECEL1):c.744G>C (p.Thr248=)

Gene: ECEL1 (endothelin converting enzyme like 1; minus strand). Cytogenetic location: 2q37.1.
Variant type: single nucleotide variant.
Coding change: c.744G>C on transcript NM_004826.4 (MANE Select); coding-DNA position 744, G replaced by C.
Protein change: p.Thr248=; no amino-acid change (threonine 248 retained).
Molecular consequence: synonymous variant.
Genome position (GRCh38, 1-based): chr2:232,485,910, C>G on the plus strand (G>C on the coding strand, the complement: ECEL1 is on the minus strand). VCF-style: chr2-232485910-C-G. GRCh37 (hg19) VCF-style: chr2-233350620-C-G.
Other names: c.744G>C, p.Thr248= (NM_001290787.2).
Identifiers: ClinVar variation 785995 (VCV000785995.6), dbSNP rs201178152, ClinGen allele CA2167534.
Genomic context (GRCh38, chr2:232,485,910, plus strand): 5'-CTCAGGGGGCGCACTCACGCGGATGACGTAGCGCGAGGAGTTCCTGTCGTCCAGGCTGAC[C>G]GTGAGCGAGAAGAGCGCGGCGGCGCTGTACACGCCCTGCGCCTTGTACAGCAGCCGGTTG-3'
Protein context (NP_004817.2, residues 238-258): VYSAAALFSL[Thr248=]VSLDDRNSSR

ClinVar aggregate classification (germline): Benign. Review status: criteria provided, multiple submitters, no conflicts (2 of 4 stars). 3 submissions from 3 submitters: Benign (2). 1 of the submissions does not count toward it. Last evaluated 2018-10-19.

Conditions:
ECEL1-related disorder. Also called: ECEL1-related condition.

Allele frequency attached by ClinVar (database versions not stated): gnomAD exomes 0.00030; ExAC 0.00070; ESP Exome Variant Server 0.00087; gnomAD 0.00137; TOPMed 0.00156; 1000 Genomes Project 0.00160; 1000 Genomes Project 30x 0.00187.
gnomAD v4.1: 327 of 1,572,492 alleles (0.021%); highest among the groups gnomAD compares: African/African-American, 0.38%; 4 homozygotes.

Submissions (3):

Labcorp Genetics (formerly Invitae), Labcorp
Classification: Benign. Last evaluated: 2018-10-19. Review status: criteria provided, single submitter. Criteria: Invitae Variant Classification Sherloc (09022015). Collection method: clinical testing. Allele origin: germline.

Breakthrough Genomics
Classification: Benign. Review status: criteria provided, single submitter. Criteria: ACMG Guidelines, 2015. Collection method: not provided. Allele origin: germline. Inheritance: Autosomal recessive inheritance. Affected: yes.

PreventionGenetics, part of Exact Sciences
Classification: Likely benign for ECEL1-related condition. Last evaluated: 2021-11-08. Review status: no assertion criteria provided. Collection method: clinical testing. Allele origin: germline. Not counted in ClinVar's aggregate classification.
Comment: This variant is classified as likely benign based on ACMG/AMP sequence variant interpretation guidelines (Richards et al. 2015 PMID: 25741868, with internal and published modifications).